The following is an entry in ClinVar:

ClinVar aggregate classification (germline): Conflicting classifications of pathogenicity. Review status: criteria provided, conflicting classifications (1 of 4 stars). 2 submissions from 2 submitters: Likely pathogenic (1); Uncertain significance (1). Last evaluated 2024-05-14.

Submissions (2):

GeneDx
Classification: Uncertain significance. Last evaluated: 2024-05-14. Review status: criteria provided, single submitter. Criteria: GeneDx Variant Classification Process June 2021. Collection method: clinical testing. Allele origin: germline. Affected: yes.
Comment: Not observed at significant frequency in large population cohorts (gnomAD); In silico analysis supports that this missense variant has a deleterious effect on protein structure/function; In silico analysis supports a deleterious effect on splicing; Has not been previously published as pathogenic or benign to our knowledge

Genetics Laboratory, UDIAT-Centre Diagnòstic, Hospital Universitari Parc Tauli
Classification: Likely pathogenic. Last evaluated: 2021-04-26. Review status: criteria provided, single submitter. Criteria: Parc Tauli Hospital Assertion Criteria 2021. Collection method: clinical testing. Allele origin: inherited. Inheritance: Autosomal dominant inheritance. Affected: yes. Observed: 1 heterozygote.
Comment: PM2_supporting;PP1_moderate;PP2_supporting;PP3_supporting

NM_001145358.2(SIN3A):c.3179A>G (p.Asp1060Gly)

Gene: SIN3A (SIN3 transcription regulator family member A; minus strand). Cytogenetic location: 15q24.2.
Variant type: single nucleotide variant.
Coding change: c.3179A>G on transcript NM_001145358.2 (MANE Select); coding-DNA position 3179, A replaced by G.
Protein change: p.Asp1060Gly; replaces aspartic acid 1060 with glycine.
Molecular consequence: missense variant.
Genome position (GRCh38, 1-based): chr15:75,384,280, T>C on the plus strand (A>G on the coding strand, the complement: SIN3A is on the minus strand). VCF-style: chr15-75384280-T-C. GRCh37 (hg19) VCF-style: chr15-75676621-T-C.
Other names: c.3179A>G, p.Asp1060Gly (NM_001145357.2, NM_015477.3); c.3179A>G (NM_001145358.1); short protein forms D1060G.
Identifiers: ClinVar variation 1098348 (VCV001098348.3), dbSNP rs2141396034, ClinGen allele CA393487443.